The following is an entry in ClinVar:

NM_001271208.1(NEB):c.23940+17_23940+21del

Genes: NEB (nebulin; minus strand), RIF1 (replication timing regulatory factor 1; plus strand). Cytogenetic location: 2q23.3.
Variant type: Deletion.
Coding change: c.23940+17_23940+21del on transcript NM_001271208.1; bases 17 to 21 of the intron after coding-DNA position 23940, 5 bases deleted (CATAT; older notation c.23940+17_23940+21delCATAT).
Molecular consequence: intron variant (on NM_001164508.2).
Genome position (GRCh38, 1-based): chr2:151,503,328-151,503,332, ATATG deleted on the plus strand (CATAT on the coding strand, the reverse complement: NEB is on the minus strand); deleting any 5 consecutive bases within chr2:151,503,328-151,503,336 gives the same sequence; the c. name uses the placement nearest the transcript's 3' end. VCF-style (leftmost placement, unchanged base first): chr2-151503327-TATATG-T. GRCh37 (hg19) VCF-style: chr2-152359841-TATATG-T.
Other names: c.18732+17_18732+21del (NM_004543.5); c.23835+17_23835+21del (NM_001164508.2, NM_001164507.2); c.23940+17_23940+21del (NM_001271208.2).
Identifiers: ClinVar variation 422318 (VCV000422318.5), dbSNP rs768100915, ClinGen allele CA1906227.
Genomic context (GRCh38, chr2:151,503,327, plus strand): 5'-TGTTACTTTCTTTAAAAAAGATGGGTTATTGTGGTAAATTTTTTATGGGAAATAGTTTCT[TATATG>T]ATATATTTGTAAATACCGAGCTAAAGTTCTCTTGATTGCGTTTGACTCTCTCAATCTCTG-3'

ClinVar aggregate classification (germline): Likely benign. Review status: criteria provided, multiple submitters, no conflicts (2 of 4 stars). 3 submissions from 3 submitters: Likely benign (2). 1 of the submissions does not count toward it. Last evaluated 2025-08-29.

Conditions:
Nemaline myopathy 2 (NEM2). Also called: Nemaline myopathy 2, autosomal recessive. Identifiers: MedGen C1850569, MONDO:0009725, OMIM 256030.

Submissions (3):

Labcorp Genetics (formerly Invitae), Labcorp
Classification: Likely benign for Nemaline myopathy 2. Last evaluated: 2025-08-29. Review status: criteria provided, single submitter. Criteria: Invitae Variant Classification Sherloc (09022015). Collection method: clinical testing. Allele origin: germline.

GeneDx
Classification: Likely benign. Last evaluated: 2016-10-19. Review status: criteria provided, single submitter. Criteria: GeneDx Variant Classification (06012015). Collection method: clinical testing. Allele origin: germline. Affected: yes.
Comment: This variant is considered likely benign or benign based on one or more of the following criteria: it is a conservative change, it occurs at a poorly conserved position in the protein, it is predicted to be benign by multiple in silico algorithms, and/or has population frequency not consistent with disease.

Counsyl
Classification: Likely benign for Nemaline myopathy 2. Last evaluated: 2017-12-21. Review status: no assertion criteria provided. Collection method: clinical testing. Allele origin: unknown. Not counted in ClinVar's aggregate classification.